The following is an entry in ClinVar:

NM_000443.4(ABCB4):c.1318C>T (p.Gln440Ter)

Gene: ABCB4 (ATP binding cassette subfamily B member 4; minus strand). Cytogenetic location: 7q21.12.
Variant type: single nucleotide variant.
Coding change: c.1318C>T on transcript NM_000443.4 (MANE Select); coding-DNA position 1318, C replaced by T.
Protein change: p.Gln440Ter; replaces glutamine 440 with a stop codon.
Molecular consequence: nonsense.
Genome position (GRCh38, 1-based): chr7:87,443,357, G>A on the plus strand (C>T on the coding strand, the complement: ABCB4 is on the minus strand). VCF-style: chr7-87443357-G-A. GRCh37 (hg19) VCF-style: chr7-87072673-G-A.
Other names: p.Gln440*; c.1318C>T, p.Gln440Ter (NM_018849.3, NM_018850.3); c.1318C>T (NM_000443.3); short protein forms Q440*.
Identifiers: ClinVar variation 2805923 (VCV002805923.6), dbSNP rs1265221541, ClinGen allele CA368043699.

ClinVar aggregate classification (germline): Pathogenic/Likely pathogenic. Review status: criteria provided, multiple submitters, no conflicts (2 of 4 stars). 4 submissions from 4 submitters: Pathogenic (3); Likely pathogenic (1). Last evaluated 2026-06-08.

Conditions:
ABCB4-related disorder. Also called: ABCB4-related disorders; ABCB4-related condition.
Low phospholipid associated cholelithiasis (GBD1). Also called: Gallbladder disease 1; Gallstone cholecystitis. Identifiers: Orphanet 69663, MedGen C2609268, MONDO:0010939, OMIM 600803.

Allele frequency attached by ClinVar (database versions not stated): gnomAD exomes 0.00001.
gnomAD v4.1: 3 of 1,614,046 alleles (0.00019%); highest among the groups gnomAD compares: Non-Finnish European, 0.000085%; no homozygotes.

Submissions (4):

PreventionGenetics, part of Exact Sciences
Classification: Pathogenic for ABCB4-related condition. Last evaluated: 2026-06-08. Review status: criteria provided, single submitter. Criteria: ACMG Guidelines, 2015. Collection method: clinical testing. Allele origin: germline.
Comment: The ABCB4 c.1318C>T variant is predicted to result in premature protein termination (p.Gln440*). To our knowledge, this variant has not been reported in the literature. This variant is reported in 0.0046% of alleles in individuals of European (Finnish) descent in gnomAD. Nonsense variants in ABCB4 are expected to be pathogenic. This variant is interpreted as pathogenic.

Mayo Clinic Laboratories, Mayo Clinic
Classification: Likely pathogenic. Last evaluated: 2025-08-14. Review status: criteria provided, single submitter. Criteria: ACMG Guidelines, 2015. Collection method: clinical testing. Allele origin: germline. Observed: 1 variant allele.
Comment: PM2_supporting, PVS1

Labcorp Genetics (formerly Invitae), Labcorp
Classification: Pathogenic. Last evaluated: 2025-03-27. Review status: criteria provided, single submitter. Criteria: Invitae Variant Classification Sherloc (09022015). Collection method: clinical testing. Allele origin: germline.
Comment: This sequence change creates a premature translational stop signal (p.Gln440*) in the ABCB4 gene. It is expected to result in an absent or disrupted protein product. Loss-of-function variants in ABCB4 are known to be pathogenic (PMID: 17726488, 25755532). This variant is present in population databases (no rsID available, gnomAD 0.004%). This variant has not been reported in the literature in individuals affected with ABCB4-related conditions. ClinVar contains an entry for this variant (Variation ID: 2805923). For these reasons, this variant has been classified as Pathogenic.

Victorian Clinical Genetics Services, Murdoch Childrens Research Institute
Classification: Pathogenic for Low phospholipid associated cholelithiasis. Last evaluated: 2022-02-02. Review status: criteria provided, single submitter. Criteria: ACMG Guidelines, 2015. Collection method: clinical testing. Allele origin: germline.
Comment: Based on the classification scheme VCGS_Germline_v1.3.4, this variant is classified as Pathogenic. Following criteria are met: 0102 - Loss of function is a known mechanism of disease in this gene and is associated with intrahepatic cholestasis of pregnancy 3 (ICP-3) (MIM#614972), gallbladder disease 1 (low phospholipid-associated cholelithiasis (LPAC)) (MIM# 600803) and progressive familial intrahepatic cholestasis 3 (PFIC) (MIM#602347). (I) 0108 - This gene is associated with both recessive and dominant disease. PFIC is inherited in a recessive manner, whereas ICP-3 and LPAC can be either dominant or recessive. Biallelic variants typically demonstrate less residual protein activity, resulting in earlier onset of the condition with a more severe phenotype (OMIM, PMID: 24806754, PMID: 32376413). (I) 0201 - Variant is predicted to cause nonsense-mediated decay (NMD) and loss of protein (premature termination codon is located at least 54 nucleotides upstream of the final exon-exon junction). (SP) 0251 - This variant is heterozygous. (I) 0304 - Variant is present in gnomAD (v2) <0.01 (1 heterozygote, 0 homozygotes). (SP) 0701 - Other null variants comparable to the one identified in this case have very strong previous evidence for pathogenicity. There are at least nine likely pathogenic or pathogenic NMD-predicted variants that have been reported (ClinVar). (SP) 0807 - This variant has no previous evidence of pathogenicity. (I) 0905 - No published segregation evidence has been identified for this variant. (I) 1007 - No published functional evidence has been identified for this variant. (I) 1102 - Strong phenotype match for this individual. (SP) 1208 - Inheritance information for this variant is not currently available in this individual. (I) Legend: (SP) - Supporting pathogenic, (I) - Information, (SB) - Supporting benign

Literature cited by the submitters: PubMed 17726488 (cited by Labcorp Genetics (formerly Invitae), Labcorp); PubMed 25755532 (cited by Labcorp Genetics (formerly Invitae), Labcorp); PubMed 24806754 (cited by Victorian Clinical Genetics Services, Murdoch Childrens Research Institute); PubMed 32376413 (cited by Victorian Clinical Genetics Services, Murdoch Childrens Research Institute).